The following is an entry in ClinVar:

NM_000152.5(GAA):c.2545A>T (p.Lys849Ter)

Gene: GAA (alpha glucosidase; plus strand). Cytogenetic location: 17q25.3.
Variant type: single nucleotide variant.
Coding change: c.2545A>T on transcript NM_000152.5 (MANE Select); coding-DNA position 2545, A replaced by T.
Protein change: p.Lys849Ter; replaces lysine 849 with a stop codon.
Molecular consequence: nonsense.
Genome position (GRCh38, 1-based): chr17:80,118,256, A>T. VCF-style: chr17-80118256-A-T. GRCh37 (hg19) VCF-style: chr17-78092055-A-T.
Other names: c.2545A>T, p.Lys849Ter (NM_001079803.3, NM_001079804.3); short protein forms K849*.
Identifiers: ClinVar variation 983812 (VCV000983812.3), dbSNP rs2039403673, ClinGen allele CA401326136.
Genomic context (GRCh38, chr17:80,118,256, plus strand): 5'-CCTGGCCTCACAACCACAGAGTCCCGCCAGCAGCCCATGGCCCTGGCTGTGGCCCTGACC[A>T]AGGGTGGGGAGGCCCGAGGGGAGCTGTTCTGGGACGATGGAGAGAGCCTGGAAGTGCTGG-3'

ClinVar aggregate classification (germline): Likely pathogenic (1 of 4 stars; one submission).

Conditions:
Glycogen storage disease, type II (IOPD). Also called: CARDIOMEGALIA GLYCOGENICA DIFFUSA; GLYCOGENOSIS, GENERALIZED, CARDIAC FORM; GSD II; POMPE DISEASE, INFANTILE-ONSET; GLYCOGEN STORAGE DISEASE II, INFANTILE-ONSET; ACID ALPHA-GLUCOSIDASE DEFICIENCY, INFANTILE-ONSET. Identifiers: Orphanet 365, MedGen C0017921, MONDO:0009290, OMIM 232300.

Submission:

Myriad Genetics, Inc.
Classification: Likely pathogenic for Glycogen storage disease, type II. Last evaluated: 2020-01-25. Review status: criteria provided, single submitter. Criteria: Myriad Women's Health Autosomal Recessive and X-Linked Classification Criteria (2019). Collection method: clinical testing. Allele origin: unknown.
Comment: NM_000152.3(GAA):c.2545A>T(K849*) is expected to be pathogenic in the context of Pompe disease. This variant is predicted to lead to an abnormal or absent protein product due to the creation of a premature termination codon in GAA, a gene where loss-of-function variants are known to be pathogenic. Please note: this variant was assessed in the context of healthy population screening.